The following is an entry in ClinVar:

ClinVar aggregate classification (germline): Uncertain significance (1 of 4 stars; one submission).

Allele frequency attached by ClinVar (database versions not stated): TOPMed below 0.00001; gnomAD 0.00002.
gnomAD v4.1: 22 of 1,603,142 alleles (0.0014%); highest among the groups gnomAD compares: East Asian, 0.0022%; no homozygotes.

Submission:

Labcorp Genetics (formerly Invitae), Labcorp
Classification: Uncertain significance. Last evaluated: 2023-04-16. Review status: criteria provided, single submitter. Criteria: Invitae Variant Classification Sherloc (09022015). Collection method: clinical testing. Allele origin: germline.
Comment: In summary, the available evidence is currently insufficient to determine the role of this variant in disease. Therefore, it has been classified as a Variant of Uncertain Significance. Variants that disrupt the consensus splice site are a relatively common cause of aberrant splicing (PMID: 17576681, 9536098). Algorithms developed to predict the effect of sequence changes on RNA splicing suggest that this variant is not likely to affect RNA splicing. This variant has not been reported in the literature in individuals affected with PRPF6-related conditions. This variant is present in population databases (rs555183513, gnomAD 0.007%). This sequence change falls in intron 15 of the PRPF6 gene. It does not directly change the encoded amino acid sequence of the PRPF6 protein. It affects a nucleotide within the consensus splice site.

Literature cited by the submitters: PubMed 17576681; PubMed 9536098.

NM_012469.4(PRPF6):c.2028+4C>T

Gene: PRPF6 (pre-mRNA processing factor 6; plus strand). Cytogenetic location: 20q13.33.
Variant type: single nucleotide variant.
Coding change: c.2028+4C>T on transcript NM_012469.4 (MANE Select); 4 bases into the intron after coding-DNA position 2028, C replaced by T.
Molecular consequence: intron variant.
Genome position (GRCh38, 1-based): chr20:64,026,062, C>T. VCF-style: chr20-64026062-C-T. GRCh37 (hg19) VCF-style: chr20-62657415-C-T.
Identifiers: ClinVar variation 2800943 (VCV002800943.3), dbSNP rs555183513, ClinGen allele CA317547355.